The following is an entry in ClinVar:

NM_001017990.2(H2AB1):c.111C>T (p.Arg37=)

Genes: F8 (coagulation factor VIII; minus strand), H2AB1 (H2A.B variant histone 1; plus strand), LOC106146150 (int22h-1 recombination region; plus strand). Cytogenetic location: Xq28.
Variant type: single nucleotide variant.
Coding change: c.111C>T on transcript NM_001017990.2 (MANE Select); coding-DNA position 111, C replaced by T.
Protein change: p.Arg37=; no amino-acid change (arginine 37 retained).
Molecular consequence: synonymous variant. On other transcripts: intron variant (2).
Genome position (GRCh38, 1-based): chrX:154,885,160, C>T. VCF-style: chrX-154885160-C-T. GRCh37 (hg19) VCF-style: chrX-154113435-C-T.
Other names: c.6429+10917G>A (NM_000132.4); c.24+974G>A (NM_019863.3).
Identifiers: ClinVar variation 1695326 (VCV001695326.31), dbSNP rs2072873705, ClinGen allele CA519717230.

ClinVar aggregate classification (germline): Likely benign (1 of 4 stars; one submission).

Allele frequency attached by ClinVar (database versions not stated): TOPMed below 0.00001.

Submission:

CeGaT Center for Human Genetics Tuebingen
Classification: Likely benign. Last evaluated: 2022-04-01. Review status: criteria provided, single submitter. Criteria: CeGaT Center For Human Genetics Tuebingen Variant Classification Criteria Version 2. Collection method: clinical testing. Allele origin: germline. Affected: yes. Observed: 2 variant alleles.
Comment: H2AB1: PM2:Supporting, BP4, BP7